The following is an entry in ClinVar:

ClinVar aggregate classification (germline): Uncertain significance (1 of 4 stars; one submission).

Conditions:
Aicardi-Goutieres syndrome 2. Identifiers: Orphanet 51, MedGen C3489724, MONDO:0012429, OMIM 610181.

Allele frequency attached by ClinVar (database versions not stated): gnomAD exomes below 0.00001; gnomAD 0.00001; 1000 Genomes Project 0.00020; 1000 Genomes Project 30x 0.00031.
gnomAD v4.1: 2 of 1,611,576 alleles (0.00012%); highest among the groups gnomAD compares: Admixed American, 0.0033%; no homozygotes.

Submission:

Labcorp Genetics (formerly Invitae), Labcorp
Classification: Uncertain significance for Aicardi-Goutieres syndrome 2. Last evaluated: 2022-07-11. Review status: criteria provided, single submitter. Criteria: Invitae Variant Classification Sherloc (09022015). Collection method: clinical testing. Allele origin: germline.
Comment: In summary, the available evidence is currently insufficient to determine the role of this variant in disease. Therefore, it has been classified as a Variant of Uncertain Significance. Algorithms developed to predict the effect of missense changes on protein structure and function (SIFT, PolyPhen-2, Align-GVGD) all suggest that this variant is likely to be disruptive. ClinVar contains an entry for this variant (Variation ID: 1508096). This missense change has been observed in individual(s) with Aicardi-Goutieres syndrome (PMID: 16845400). In at least one individual the data is consistent with being in trans (on the opposite chromosome) from a pathogenic variant. This variant is not present in population databases (gnomAD no frequency). This sequence change replaces tyrosine, which is neutral and polar, with histidine, which is basic and polar, at codon 219 of the RNASEH2B protein (p.Tyr219His).

Literature cited by the submitters: PubMed 16845400.

NM_024570.4(RNASEH2B):c.655T>C (p.Tyr219His)

Gene: RNASEH2B (ribonuclease H2 subunit B; plus strand). Cytogenetic location: 13q14.3.
Variant type: single nucleotide variant.
Coding change: c.655T>C on transcript NM_024570.4 (MANE Select); coding-DNA position 655, T replaced by C.
Protein change: p.Tyr219His; replaces tyrosine 219 with histidine.
Molecular consequence: missense variant.
Genome position (GRCh38, 1-based): chr13:50,948,025, T>C. VCF-style: chr13-50948025-T-C. GRCh37 (hg19) VCF-style: chr13-51522161-T-C.
Other names: c.655T>C, p.Tyr219His (NM_001142279.2); short protein forms Y219H.
Identifiers: ClinVar variation 1508096 (VCV001508096.6), dbSNP rs77391331, ClinGen allele CA249998464.
Genomic context (GRCh38, chr13:50,948,025, plus strand): 5'-CTCCTCCTTCTGTTTCTTTCAGAGGATTATATTCGTTATGCCCATGGTCTGATATCTGAC[T>C]ACATCCCTAAAGAATTAAGTGATGACTTATCTAAATACTTAAAGTGAGTATTGATTATCT-3'
Protein context (NP_078846.2, residues 209-229): IRYAHGLISD[Tyr219His]IPKELSDDLS